The following is an entry in ClinVar:

NM_020433.5(JPH2):c.1288+4G>A

Gene: JPH2 (junctophilin 2; minus strand). Cytogenetic location: 20q13.12.
Variant type: single nucleotide variant.
Coding change: c.1288+4G>A on transcript NM_020433.5 (MANE Select); 4 bases into the intron after coding-DNA position 1288, G replaced by A.
Molecular consequence: intron variant.
Genome position (GRCh38, 1-based): chr20:44,118,501, C>T on the plus strand (G>A on the coding strand, the complement: JPH2 is on the minus strand). VCF-style: chr20-44118501-C-T. GRCh37 (hg19) VCF-style: chr20-42747141-C-T.
Identifiers: ClinVar variation 1498429 (VCV001498429.6), dbSNP rs1012633542, ClinGen allele CA314643224.
Genomic context (GRCh38, chr20:44,118,501, plus strand): 5'-GCAAAGAAAAGCGCCCACCCTAGGGATAGCCCTACCCTGCCCATCCTTCCCTGGCTGGCC[C>T]TACCTGGCTGGTAGAAGTCCGGAGCCAGCTCCCTGGCCAAAGTGCGAGCAATGTTGGACT-3'

ClinVar aggregate classification (germline): Uncertain significance (1 of 4 stars; one submission).

Conditions:
Hypertrophic cardiomyopathy. Also called: HYPERTROPHIC MYOCARDIOPATHY. Identifiers: Orphanet 217569, MedGen C0007194, MeSH D002312, MONDO:0005045, HP:0001639.

Submission:

Labcorp Genetics (formerly Invitae), Labcorp
Classification: Uncertain significance for Hypertrophic cardiomyopathy. Last evaluated: 2025-08-03. Review status: criteria provided, single submitter. Criteria: Invitae Variant Classification Sherloc (09022015). Collection method: clinical testing. Allele origin: germline.
Comment: This sequence change falls in intron 3 of the JPH2 gene. It does not directly change the encoded amino acid sequence of the JPH2 protein. It affects a nucleotide within the consensus splice site. This variant is not present in population databases (gnomAD no frequency). This variant has not been reported in the literature in individuals affected with JPH2-related conditions. ClinVar contains an entry for this variant (Variation ID: 1498429). Variants that disrupt the consensus splice site are a relatively common cause of aberrant splicing (PMID: 17576681, 9536098). Algorithms developed to predict the effect of sequence changes on RNA splicing suggest that this variant is not likely to affect RNA splicing. In summary, the available evidence is currently insufficient to determine the role of this variant in disease. Therefore, it has been classified as a Variant of Uncertain Significance.

Literature cited by the submitters: PubMed 17576681; PubMed 9536098.